The following is an entry in ClinVar:

NM_005465.7(AKT3):c.*5155_*5159dup

Genes: AKT3 (AKT serine/threonine kinase 3; minus strand), SDCCAG8 (SHH signaling and ciliogenesis regulator SDCCAG8; plus strand). Cytogenetic location: 1q44.
Variant type: Duplication.
Coding change: c.*5155_*5159dup on transcript NM_005465.7 (MANE Select); 5155 bases downstream of the stop codon through 5159 bases downstream of the stop codon, 5 bases duplicated (AAGTC; older notation c.*5155_*5159dupAAGTC).
Molecular consequence: 3 prime UTR variant. On other transcripts: intron variant (2).
Genome position (GRCh38, 1-based): chr1:243,500,090-243,500,094, GACTT duplicated on the plus strand (AAGTC on the coding strand, the reverse complement: AKT3 is on the minus strand); duplicating any 5 consecutive bases within chr1:243,500,090-243,500,096 gives the same sequence; the c. name uses the placement nearest the transcript's 3' end. VCF-style (leftmost placement, unchanged base first): chr1-243500089-A-AGACTT. GRCh37 (hg19) VCF-style: chr1-243663391-A-AGACTT.
Other names: c.*5155_*5159dup (NM_001370074.1); c.1355-308_1355-304dup (NM_181690.2, NM_001206729.2).
Identifiers: ClinVar variation 296922 (VCV000296922.32), dbSNP rs577416381, ClinGen allele CA10610748.
Genomic context (GRCh38, chr1:243,500,089, plus strand): 5'-TAAATCTGCTCATTCGTATGCTAGGTTATACATATGATTTTCAATAAATGAACTTTTTAA[A>AGACTT]GACTTGAGTTGTAATGTTTCCTTTTTATCTTGTAGTGATGAACAAAACACACCAAAAAGG-3'

ClinVar aggregate classification (germline): Benign (1 of 4 stars; one submission).

Submission:

CeGaT Center for Human Genetics Tuebingen
Classification: Benign. Last evaluated: 2023-01-01. Review status: criteria provided, single submitter. Criteria: CeGaT Center For Human Genetics Tuebingen Variant Classification Criteria Version 2. Collection method: clinical testing. Allele origin: germline. Affected: yes. Observed: 6 variant alleles.
Comment: AKT3: BS1, BS2